The following is an entry in ClinVar:

ClinVar aggregate classification (germline): Benign/Likely benign. Review status: criteria provided, multiple submitters, no conflicts (2 of 4 stars). 4 submissions from 4 submitters: Benign (1); Likely benign (3). Last evaluated 2026-02-03.

Conditions:
Ataxia-telangiectasia syndrome (AT). Also called: Cerebello-oculocutaneous telangiectasia; Immunodeficiency with ataxia telangiectasia; AT, COMPLEMENTATION GROUP C; LOUIS-BAR SYNDROME; Ataxia telangiectasia (A-T); Ataxia-telangiectasia. Identifiers: Orphanet 100, MedGen C0004135, MONDO:0008840, OMIM 208900.
Hereditary cancer-predisposing syndrome. Also called: Tumor predisposition; Hereditary Cancer Syndrome; Hereditary neoplastic syndrome; Neoplastic Syndromes, Hereditary. Identifiers: Orphanet 140162, MedGen C0027672, MeSH D009386, MONDO:0015356.

Submissions (4):

Labcorp Genetics (formerly Invitae), Labcorp
Classification: Benign for Ataxia-telangiectasia syndrome. Last evaluated: 2026-02-03. Review status: criteria provided, single submitter. Criteria: Invitae Variant Classification Sherloc (09022015). Collection method: clinical testing. Allele origin: germline.

Blueprint Genetics
Classification: Likely benign. Last evaluated: 2024-03-14. Review status: criteria provided, single submitter. Criteria: ACMG Guidelines, 2015. Collection method: clinical testing. Allele origin: germline.

GeneDx
Classification: Likely benign. Last evaluated: 2017-09-27. Review status: criteria provided, single submitter. Criteria: GeneDx Variant Classification (06012015). Collection method: clinical testing. Allele origin: germline. Affected: yes.
Comment: This variant is considered likely benign or benign based on one or more of the following criteria: it is a conservative change, it occurs at a poorly conserved position in the protein, it is predicted to be benign by multiple in silico algorithms, and/or has population frequency not consistent with disease.

Color Diagnostics, LLC DBA Color Health
Classification: Likely benign for Hereditary cancer-predisposing syndrome. Last evaluated: 2015-04-27. Review status: criteria provided, single submitter. Criteria: ACMG Guidelines, 2015. Collection method: clinical testing. Allele origin: germline.

NM_000051.4(ATM):c.3153+20dup

Gene: ATM (ATM serine/threonine kinase; plus strand). Cytogenetic location: 11q22.3.
Variant type: Duplication.
Coding change: c.3153+20dup on transcript NM_000051.4 (MANE Select); 20 bases into the intron after coding-DNA position 3153, one base duplicated (T; older notation c.3153+20dupT).
Molecular consequence: intron variant.
Genome position (GRCh38, 1-based): chr11:108,272,627, T duplicated; the last of 7 consecutive T bases (chr11:108,272,621-108,272,627); duplicating any one gives the same sequence. VCF-style (leftmost placement, unchanged base first): chr11-108272620-A-AT. GRCh37 (hg19) VCF-style: chr11-108143347-A-AT.
Other names: c.3153+20dup (NM_001351834.2); c.3153+20dupT (NM_000051.3).
Identifiers: ClinVar variation 419885 (VCV000419885.11), dbSNP rs760492979, ClinGen allele CA6265203.